The following is an entry in ClinVar:

NM_005263.5(GFI1):c.1065G>A (p.Met355Ile)

Gene: GFI1 (growth factor independent 1 transcriptional repressor; minus strand). Cytogenetic location: 1p22.1.
Variant type: single nucleotide variant.
Coding change: c.1065G>A on transcript NM_005263.5 (MANE Select); coding-DNA position 1065, G replaced by A.
Protein change: p.Met355Ile; replaces methionine 355 with isoleucine.
Molecular consequence: missense variant.
Genome position (GRCh38, 1-based): chr1:92,478,613, C>T on the plus strand (G>A on the coding strand, the complement: GFI1 is on the minus strand). VCF-style: chr1-92478613-C-T. GRCh37 (hg19) VCF-style: chr1-92944170-C-T.
Other names: c.1065G>A, p.Met355Ile (NM_001127215.3, NM_001127216.3); short protein forms M355I.
Identifiers: ClinVar variation 2747491 (VCV002747491.3), dbSNP rs2524714515, ClinGen allele CA341148063.
Genomic context (GRCh38, chr1:92,478,613, plus strand): 5'-GTGTTTCCTACAAGCCAAGGGCCTTTTTAGCTCACCAGTGTGGATGAAAGTGTGTTTCTT[C>T]ATGTCTGACTTCTGGTGGAACCTCTTGCCACAGTACTGACAGGGGTAGGGCCGAGTGTCT-3'
Protein context (NP_005254.2, residues 345-365): CGKRFHQKSD[Met355Ile]KKHTFIHTGE

ClinVar aggregate classification (germline): Uncertain significance (1 of 4 stars; one submission).

Conditions:
Neutropenia, severe congenital, 2, autosomal dominant. Identifiers: Orphanet 486, MedGen C2751288, MONDO:0013139, OMIM 613107.

Allele frequency attached by ClinVar (database versions not stated): gnomAD exomes below 0.00001.
gnomAD v4.1: 1 of 1,614,110 alleles (0.000062%); highest among the groups gnomAD compares: Admixed American, 0.0017%; no homozygotes.

Submission:

Labcorp Genetics (formerly Invitae), Labcorp
Classification: Uncertain significance for Neutropenia, severe congenital, 2, autosomal dominant. Last evaluated: 2023-05-29. Review status: criteria provided, single submitter. Criteria: Invitae Variant Classification Sherloc (09022015). Collection method: clinical testing. Allele origin: germline.
Comment: Advanced modeling of protein sequence and biophysical properties (such as structural, functional, and spatial information, amino acid conservation, physicochemical variation, residue mobility, and thermodynamic stability) performed at Invitae indicates that this missense variant is expected to disrupt GFI1 protein function. This sequence change replaces methionine, which is neutral and non-polar, with isoleucine, which is neutral and non-polar, at codon 355 of the GFI1 protein (p.Met355Ile). This variant is not present in population databases (gnomAD no frequency). This variant has not been reported in the literature in individuals affected with GFI1-related conditions. In summary, the available evidence is currently insufficient to determine the role of this variant in disease. Therefore, it has been classified as a Variant of Uncertain Significance.